The following is an entry in ClinVar:

NM_001267550.2(TTN):c.98292A>G (p.Glu32764=)

Genes: TTN-AS1 (TTN antisense RNA 1; plus strand), TTN (titin; minus strand). Cytogenetic location: 2q31.2.
Variant type: single nucleotide variant.
Coding change: c.98292A>G on transcript NM_001267550.2 (MANE Select); coding-DNA position 98292, A replaced by G.
Protein change: p.Glu32764=; no amino-acid change (glutamic acid 32764 retained).
Molecular consequence: synonymous variant. On other transcripts: non-coding transcript variant (1).
Genome position (GRCh38, 1-based): chr2:178,539,773, T>C on the plus strand (A>G on the coding strand, the complement: TTN is on the minus strand). VCF-style: chr2-178539773-T-C. GRCh37 (hg19) VCF-style: chr2-179404500-T-C.
Other names: c.90588A>G, p.Glu30196= (NM_133378.4); c.93369A>G, p.Glu31123= (NM_001256850.1); c.71097A>G, p.Glu23699= (NM_003319.4); c.71472A>G, p.Glu23824= (NM_133432.3); c.71673A>G, p.Glu23891= (NM_133437.4).
Identifiers: ClinVar variation 228172 (VCV000228172.16), dbSNP rs750078230, ClinGen allele CA1986401.

ClinVar aggregate classification (germline): Likely benign. Review status: criteria provided, multiple submitters, no conflicts (2 of 4 stars). 3 submissions from 3 submitters: Likely benign (3). Last evaluated 2026-01-27.

Conditions:
Autosomal recessive limb-girdle muscular dystrophy type 2J (LGMDR10). Also called: Limb-girdle muscular dystrophy, type 2J; MUSCULAR DYSTROPHY, LIMB-GIRDLE, AUTOSOMAL RECESSIVE 10. Identifiers: Orphanet 140922, MedGen C1837342, MONDO:0012127, OMIM 608807.
Dilated cardiomyopathy 1G (CMD1G). Identifiers: Orphanet 154, MedGen C1858763, MONDO:0011400, OMIM 604145.
Cardiovascular phenotype. Identifiers: MedGen CN230736.

Allele frequency attached by ClinVar (database versions not stated): ExAC 0.00002; gnomAD exomes 0.00002; gnomAD 0.00003; TOPMed 0.00003.
gnomAD v4.1: 35 of 1,613,766 alleles (0.0022%); highest among the groups gnomAD compares: Non-Finnish European, 0.0028%; no homozygotes.

Submissions (3):

Labcorp Genetics (formerly Invitae), Labcorp
Classification: Likely benign for Dilated cardiomyopathy 1G; Autosomal recessive limb-girdle muscular dystrophy type 2J. Last evaluated: 2026-01-27. Review status: criteria provided, single submitter. Criteria: Invitae Variant Classification Sherloc (09022015). Collection method: clinical testing. Allele origin: germline.

Ambry Genetics
Classification: Likely benign for Cardiovascular phenotype. Last evaluated: 2021-09-07. Review status: criteria provided, single submitter. Criteria: Ambry Variant Classification Scheme 2023. Collection method: clinical testing. Allele origin: germline.

Laboratory for Molecular Medicine, Mass General Brigham Personalized Medicine
Classification: Likely benign. Last evaluated: 2015-03-12. Review status: criteria provided, single submitter. Criteria: LMM Criteria. Collection method: clinical testing. Allele origin: germline. Observed: 1 variant allele.
Comment: p.Glu30196Glu in exon 301 of TTN: This variant is not expected to have clinical significance because it does not alter an amino acid residue and is not located within the splice consensus sequence. It has been identified in 2/66710 of Europ ean chromosomes by the Exome Aggregation Consortium (ExAC).